The following is an entry in ClinVar:

NM_000311.5(PRNP):c.160G>A (p.Gly54Ser)

Gene: PRNP (prion protein (Kanno blood group); plus strand). Cytogenetic location: 20p13.
Variant type: single nucleotide variant.
Coding change: c.160G>A on transcript NM_000311.5 (MANE Select); coding-DNA position 160, G replaced by A.
Protein change: p.Gly54Ser; replaces glycine 54 with serine.
Molecular consequence: missense variant.
Genome position (GRCh38, 1-based): chr20:4,699,380, G>A. VCF-style: chr20-4699380-G-A. GRCh37 (hg19) VCF-style: chr20-4680026-G-A.
Other names: c.160G>A, p.Gly54Ser (NM_001080121.3, NM_001080122.3, NM_001080123.3 and 1 more transcripts); c.71G>A, p.Arg24Gln (NM_001271561.3); short protein forms G54S, R24Q.
Identifiers: ClinVar variation 338646 (VCV000338646.32), dbSNP rs763524380, ClinGen allele CA9752018.
Genomic context (GRCh38, chr20:4,699,380, plus strand): 5'-GGGGGCAGCCGATACCCGGGGCAGGGCAGCCCTGGAGGCAACCGCTACCCACCTCAGGGC[G>A]GTGGTGGCTGGGGGCAGCCTCATGGTGGTGGCTGGGGGCAGCCTCATGGTGGTGGCTGGG-3'
Protein context (NP_000302.1, residues 44-64): PGGNRYPPQG[Gly54Ser]GGWGQPHGGG

ClinVar aggregate classification (germline): Benign/Likely benign. Review status: criteria provided, multiple submitters, no conflicts (2 of 4 stars). 4 submissions from 4 submitters: Benign (1); Likely benign (3). Last evaluated 2025-12-22.

Conditions:
Huntington disease-like 1 (HDL1). Also called: PRION DISEASE, EARLY-ONSET, WITH PROMINENT PSYCHIATRIC FEATURES; HUNTINGTON-LIKE NEURODEGENERATIVE DISORDER 1; HUNTINGTON-LIKE NEURODEGENERATIVE DISORDER, AUTOSOMAL DOMINANT. Identifiers: Orphanet 157941, MedGen C1864112, MONDO:0011299, OMIM 603218.
Inherited prion disease. Identifiers: Orphanet 280400, MedGen C5679775, MONDO:0017234.

Allele frequency attached by ClinVar (database versions not stated): gnomAD 0.00009 and 0.00020; TOPMed 0.00015; gnomAD exomes 0.00041 and 0.00065; ExAC 0.00067.

Submissions (4):

Labcorp Genetics (formerly Invitae), Labcorp
Classification: Likely benign for Huntington disease-like 1. Last evaluated: 2025-12-22. Review status: criteria provided, single submitter. Criteria: Invitae Variant Classification Sherloc (09022015). Collection method: clinical testing. Allele origin: germline.

CeGaT Center for Human Genetics Tuebingen
Classification: Benign. Last evaluated: 2024-07-01. Review status: criteria provided, single submitter. Criteria: CeGaT Center For Human Genetics Tuebingen Variant Classification Criteria Version 2. Collection method: clinical testing. Allele origin: germline. Affected: yes. Observed: 1 variant allele.
Comment: PRNP: BS1, BS2

Illumina Laboratory Services, Illumina
Classification: Likely benign for Genetic prion diseases. Last evaluated: 2017-04-27. Review status: criteria provided, single submitter. Criteria: ICSL Variant Classification Criteria 13 December 2019. Collection method: clinical testing. Allele origin: germline.
Comment: This variant was observed as part of a predisposition screen in an ostensibly healthy population. A literature search was performed for the gene, cDNA change, and amino acid change (where applicable). No publications were found based on this search. Allele frequency data from public databases allowed determination this variant is unlikely to cause disease. Therefore, this variant is classified as likely benign.

Breakthrough Genomics
Classification: Likely benign. Review status: criteria provided, single submitter. Criteria: ACMG Guidelines, 2015. Collection method: not provided. Allele origin: germline. Inheritance: Autosomal dominant inheritance. Affected: yes.